The following is an entry in ClinVar:

NM_000812.4(GABRB1):c.698T>G (p.Leu233Arg)

Gene: GABRB1 (gamma-aminobutyric acid type A receptor subunit beta1; plus strand). Cytogenetic location: 4p12.
Variant type: single nucleotide variant.
Coding change: c.698T>G on transcript NM_000812.4 (MANE Select); coding-DNA position 698, T replaced by G.
Protein change: p.Leu233Arg; replaces leucine 233 with arginine.
Molecular consequence: missense variant.
Genome position (GRCh38, 1-based): chr4:47,403,574, T>G. VCF-style: chr4-47403574-T-G. GRCh37 (hg19) VCF-style: chr4-47405591-T-G.
Other names: short protein forms L233R.
Identifiers: ClinVar variation 2013380 (VCV002013380.4), dbSNP rs1055347414, ClinGen allele CA97302092.

ClinVar aggregate classification (germline): Uncertain significance (1 of 4 stars; one submission).

Allele frequency attached by ClinVar (database versions not stated): gnomAD exomes below 0.00001; TOPMed below 0.00001.
gnomAD v4.1: 2 of 1,613,968 alleles (0.00012%); highest among the groups gnomAD compares: Admixed American, 0.0033%; no homozygotes.

Submission:

Labcorp Genetics (formerly Invitae), Labcorp
Classification: Uncertain significance. Last evaluated: 2024-12-03. Review status: criteria provided, single submitter. Criteria: Invitae Variant Classification Sherloc (09022015). Collection method: clinical testing. Allele origin: germline.
Comment: This sequence change replaces leucine, which is neutral and non-polar, with arginine, which is basic and polar, at codon 233 of the GABRB1 protein (p.Leu233Arg). This variant is present in population databases (no rsID available, gnomAD 0.003%). This variant has not been reported in the literature in individuals affected with GABRB1-related conditions. ClinVar contains an entry for this variant (Variation ID: 2013380). Invitae Evidence Modeling of protein sequence and biophysical properties (such as structural, functional, and spatial information, amino acid conservation, physicochemical variation, residue mobility, and thermodynamic stability) indicates that this missense variant is expected to disrupt GABRB1 protein function with a positive predictive value of 80%. In summary, the available evidence is currently insufficient to determine the role of this variant in disease. Therefore, it has been classified as a Variant of Uncertain Significance.